The following is an entry in ClinVar:

Single allele

Gene: RUNX1 (RUNX family transcription factor 1; minus strand). Cytogenetic location: 21q22.12.
Variant type: Deletion.
Identifiers: ClinVar variation 1013622 (VCV001013622.2).

ClinVar aggregate classification (germline): Likely pathogenic (0 of 4 stars; one submission).

Conditions:
Thrombocytopenia. Identifiers: MedGen C0040034, MeSH D013921, MONDO:0002049, HP:0001873.

Submission:

Bone Marrow Failure laboratory, Queen Mary University London
Classification: Likely pathogenic for Thrombocytopenia. Last evaluated: 2021-01-20. Review status: no assertion criteria provided. Collection method: research. Allele origin: germline. Affected: yes.
Comment: The deletion was shown to segregate in three of these affected relatives.

Literature cited by the submitters: PubMed 32098966.